The following is an entry in ClinVar:

ClinVar aggregate classification (germline): Uncertain significance (1 of 4 stars; one submission).

Submission:

GeneDx
Classification: Uncertain significance. Last evaluated: 2024-01-02. Review status: criteria provided, single submitter. Criteria: GeneDx Variant Classification Process June 2021. Collection method: clinical testing. Allele origin: germline. Affected: yes.
Comment: Not observed at significant frequency in large population cohorts (gnomAD); In silico analysis supports that this missense variant does not alter protein structure/function; Has not been previously published as pathogenic or benign to our knowledge

NM_031844.3(HNRNPU):c.250G>A (p.Glu84Lys)

Gene: HNRNPU (heterogeneous nuclear ribonucleoprotein U; minus strand). Cytogenetic location: 1q44.
Variant type: single nucleotide variant.
Coding change: c.250G>A on transcript NM_031844.3 (MANE Select); coding-DNA position 250, G replaced by A.
Protein change: p.Glu84Lys; replaces glutamic acid 84 with lysine.
Molecular consequence: missense variant.
Genome position (GRCh38, 1-based): chr1:244,864,058, C>T on the plus strand (G>A on the coding strand, the complement: HNRNPU is on the minus strand). VCF-style: chr1-244864058-C-T. GRCh37 (hg19) VCF-style: chr1-245027360-C-T.
Other names: c.250G>A, p.Glu84Lys (NM_004501.3); short protein forms E84K.
Identifiers: ClinVar variation 3367347 (VCV003367347.1).
Genomic context (GRCh38, chr1:244,864,058, plus strand): 5'-TCTGGTCGCCGTCCAGAGCGGAGATTCCTTCCTCCTCCTCTTCCTCTTCCTCCTCCTCTT[C>T]ATCGCCGCCGGCCGCGGCCTCCTGCTCGAGGCCTGCTCCCGAGCGCCCAGCGGAATCCCC-3'
Protein context (NP_114032.2, residues 74-94): LEQEAAAGGD[Glu84Lys]EEEEEEEEEE